The following is an entry in ClinVar:

NM_001242896.3(DEPDC5):c.225A>G (p.Gln75=)

Gene: DEPDC5 (DEP domain containing 5, GATOR1 subcomplex subunit; plus strand). Cytogenetic location: 22q12.2.
Variant type: single nucleotide variant.
Coding change: c.225A>G on transcript NM_001242896.3 (MANE Select); coding-DNA position 225, A replaced by G.
Protein change: p.Gln75=; no amino-acid change (glutamine 75 retained).
Molecular consequence: synonymous variant. On other transcripts: non-coding transcript variant (5).
Genome position (GRCh38, 1-based): chr22:31,765,006, A>G. VCF-style: chr22-31765006-A-G. GRCh37 (hg19) VCF-style: chr22-32160992-A-G.
Other names: c.225A>G, p.Gln75= (NM_001007188.4, NM_001136029.4, NM_001242897.2 and 9 more transcripts).
Identifiers: ClinVar variation 5038795 (VCV005038795.1).

ClinVar aggregate classification (germline): Likely benign (1 of 4 stars; one submission).

gnomAD v4.1: 13 of 1,614,146 alleles (0.00081%); highest among the groups gnomAD compares: South Asian, 0.0077%; no homozygotes.

Submission:

CeGaT Center for Human Genetics Tuebingen
Classification: Likely benign. Last evaluated: 2026-07-01. Review status: criteria provided, single submitter. Criteria: CeGaT Center For Human Genetics Tuebingen Variant Classification Criteria Version 2. Collection method: clinical testing. Allele origin: germline. Affected: yes. Observed: 1 variant allele.
Comment: DEPDC5: BP4, BP7